The following is an entry in ClinVar:

ClinVar aggregate classification (germline): Uncertain significance. Review status: criteria provided, multiple submitters, no conflicts (2 of 4 stars). 3 submissions from 3 submitters: Uncertain significance (3). Last evaluated 2025-10-23.

Allele frequency attached by ClinVar (database versions not stated): ExAC 0.00001.
gnomAD v4.1: 7 of 1,614,000 alleles (0.00043%); highest among the groups gnomAD compares: African/African-American, 0.0027%; no homozygotes.

Submissions (3):

Women's Health and Genetics/Laboratory Corporation of America, LabCorp
Classification: Uncertain significance. Last evaluated: 2025-10-23. Review status: criteria provided, single submitter. Criteria: LabCorp Variant Classification Summary - May 2015. Collection method: clinical testing. Allele origin: germline.
Comment: Variant summary: VPS33B c.161A>G (p.Asn54Ser) results in a conservative amino acid change in the encoded protein sequence. Algorithms developed to predict the effect of missense changes on protein structure and function are either unavailable or do not agree on the potential impact of this missense change. The variant allele was found at a frequency of 4e-06 in 251480 control chromosomes. The available data on variant occurrences in the general population are insufficient to allow any conclusion about variant significance. To our knowledge, no occurrence of c.161A>G in individuals affected with VPS33B-related conditions and no experimental evidence demonstrating its impact on protein function have been reported. ClinVar contains an entry for this variant (Variation ID: 2171968). Based on the evidence outlined above, the variant was classified as uncertain significance.

Labcorp Genetics (formerly Invitae), Labcorp
Classification: Uncertain significance. Last evaluated: 2022-01-28. Review status: criteria provided, single submitter. Criteria: Invitae Variant Classification Sherloc (09022015). Collection method: clinical testing. Allele origin: germline.
Comment: This sequence change replaces asparagine, which is neutral and polar, with serine, which is neutral and polar, at codon 54 of the VPS33B protein (p.Asn54Ser). This variant is present in population databases (rs773692944, gnomAD 0.007%). This variant has not been reported in the literature in individuals affected with VPS33B-related conditions. Algorithms developed to predict the effect of missense changes on protein structure and function output the following: SIFT: "Not Available"; PolyPhen-2: "Benign"; Align-GVGD: "Not Available". The serine amino acid residue is found in multiple mammalian species, which suggests that this missense change does not adversely affect protein function. Algorithms developed to predict the effect of sequence changes on RNA splicing suggest that this variant may create or strengthen a splice site. In summary, the available evidence is currently insufficient to determine the role of this variant in disease. Therefore, it has been classified as a Variant of Uncertain Significance.

Breakthrough Genomics
Classification: Uncertain significance. Review status: criteria provided, single submitter. Criteria: ACMG Guidelines, 2015. Collection method: not provided. Allele origin: germline. Inheritance: Autosomal recessive inheritance. Affected: yes.

NM_018668.5(VPS33B):c.161A>G (p.Asn54Ser)

Gene: VPS33B (VPS33B late endosome and lysosome associated; minus strand). Cytogenetic location: 15q26.1.
Variant type: single nucleotide variant.
Coding change: c.161A>G on transcript NM_018668.5 (MANE Select); coding-DNA position 161, A replaced by G.
Protein change: p.Asn54Ser; replaces asparagine 54 with serine.
Molecular consequence: missense variant. On other transcripts: 5 prime UTR variant (1), intron variant (1).
Genome position (GRCh38, 1-based): chr15:91,017,821, T>C on the plus strand (A>G on the coding strand, the complement: VPS33B is on the minus strand). VCF-style: chr15-91017821-T-C. GRCh37 (hg19) VCF-style: chr15-91561051-T-C.
Other names: c.-51A>G (NM_001289149.1); c.97-797A>G (NM_001289148.1); short protein forms N54S.
Identifiers: ClinVar variation 2171968 (VCV002171968.3), dbSNP rs773692944, ClinGen allele CA7745206.
Genomic context (GRCh38, chr15:91,017,821, plus strand): 5'-ACTGCTTAAAGAGGGGCATGGCCCCCAGGGGAAAGGGACAGTACCTTCAGGATGGAGACA[T>C]TGGCAATTCGATCCAAAGGGCTCATGAGATCTGCCTCAATGAATAAATCCTTTTTTCCAG-3'
Protein context (NP_061138.3, residues 44-64): DLMSPLDRIA[Asn54Ser]VSILKQHEVD